The following is an entry in ClinVar:

ClinVar aggregate classification (germline): Uncertain significance (1 of 4 stars; one submission).

Submission:

Ambry Genetics
Classification: Uncertain significance. Last evaluated: 2026-05-19. Review status: criteria provided, single submitter. Criteria: Ambry Variant Classification Scheme 2023. Collection method: clinical testing. Allele origin: germline.
Comment: The p.S94I variant (also known as c.281G>T), located in coding exon 2 of the RNF43 gene, results from a G to T substitution at nucleotide position 281. The serine at codon 94 is replaced by isoleucine, an amino acid with dissimilar properties. This amino acid position is conserved. In addition, the in silico prediction for this alteration is inconclusive. Based on the available evidence, the clinical significance of this variant remains unclear.

NM_017763.6(RNF43):c.281G>T (p.Ser94Ile)

Gene: RNF43 (ring finger protein 43; minus strand). Cytogenetic location: 17q22.
Variant type: single nucleotide variant.
Coding change: c.281G>T on transcript NM_017763.6 (MANE Select); coding-DNA position 281, G replaced by T.
Protein change: p.Ser94Ile; replaces serine 94 with isoleucine.
Molecular consequence: missense variant. On other transcripts: 5 prime UTR variant (2).
Genome position (GRCh38, 1-based): chr17:58,371,005, C>A on the plus strand (G>T on the coding strand, the complement: RNF43 is on the minus strand). VCF-style: chr17-58371005-C-A. GRCh37 (hg19) VCF-style: chr17-56448366-C-A.
Other names: c.-101G>T (NM_001305545.2, NM_001437987.1); c.281G>T, p.Ser94Ile (NM_001438820.1, NM_001438821.1, NM_001438822.1 and 1 more transcripts); short protein forms S94I.
Identifiers: ClinVar variation 4863420 (VCV004863420.1).